The following is an entry in ClinVar:

NM_001360.3(DHCR7):c.1079T>C (p.Leu360Pro)

Gene: DHCR7 (7-dehydrocholesterol reductase; minus strand). Cytogenetic location: 11q13.4.
Variant type: single nucleotide variant.
Coding change: c.1079T>C on transcript NM_001360.3 (MANE Select); coding-DNA position 1079, T replaced by C.
Protein change: p.Leu360Pro; replaces leucine 360 with proline.
Molecular consequence: missense variant.
Genome position (GRCh38, 1-based): chr11:71,435,724, A>G on the plus strand (T>C on the coding strand, the complement: DHCR7 is on the minus strand). VCF-style: chr11-71435724-A-G. GRCh37 (hg19) VCF-style: chr11-71146770-A-G.
Other names: c.1079T>C, p.Leu360Pro (NM_001163817.2); short protein forms L360P.
Identifiers: ClinVar variation 553336 (VCV000553336.5), dbSNP rs1555145619, ClinGen allele CA381702131.

ClinVar aggregate classification (germline): Pathogenic. Review status: criteria provided, single submitter (1 of 4 stars). 2 submissions from 2 submitters: Pathogenic (1). 1 of the submissions does not count toward it. Last evaluated 2023-06-19.

Conditions:
Smith-Lemli-Opitz syndrome (SLOS). Also called: LETHAL ACRODYSGENITAL SYNDROME; POLYDACTYLY, SEX REVERSAL, RENAL HYPOPLASIA, AND UNILOBAR LUNG; RSH SYNDROME; RUTLEDGE LETHAL MULTIPLE CONGENITAL ANOMALY SYNDROME; 7-Dehydrocholesterol reductase deficiency. Identifiers: Orphanet 818, MedGen C0175694, MONDO:0010035, OMIM 270400.

Submissions (2):

Labcorp Genetics (formerly Invitae), Labcorp
Classification: Pathogenic for Smith-Lemli-Opitz syndrome. Last evaluated: 2023-06-19. Review status: criteria provided, single submitter. Criteria: Invitae Variant Classification Sherloc (09022015). Collection method: clinical testing. Allele origin: germline.
Comment: For these reasons, this variant has been classified as Pathogenic. Advanced modeling of protein sequence and biophysical properties (such as structural, functional, and spatial information, amino acid conservation, physicochemical variation, residue mobility, and thermodynamic stability) performed at Invitae indicates that this missense variant is expected to disrupt DHCR7 protein function. ClinVar contains an entry for this variant (Variation ID: 553336). This missense change has been observed in individual(s) with Smith–Lemli–Opitz syndrome (PMID: 15521979). In at least one individual the data is consistent with being in trans (on the opposite chromosome) from a pathogenic variant. This variant is not present in population databases (gnomAD no frequency). This sequence change replaces leucine, which is neutral and non-polar, with proline, which is neutral and non-polar, at codon 360 of the DHCR7 protein (p.Leu360Pro).

Counsyl
Classification: Uncertain significance for Smith-Lemli-Opitz syndrome. Last evaluated: 2017-08-15. Review status: no assertion criteria provided. Collection method: clinical testing. Allele origin: unknown. Not counted in ClinVar's aggregate classification.

Literature cited by the submitters: PubMed 15521979 (cited by Labcorp Genetics (formerly Invitae), Labcorp and Counsyl).